The following is an entry in ClinVar:

ClinVar aggregate classification (germline): Uncertain significance (1 of 4 stars; one submission).

Conditions:
Hereditary cancer-predisposing syndrome. Also called: Neoplastic Syndromes, Hereditary; Tumor predisposition; Hereditary Cancer Syndrome; Hereditary neoplastic syndrome. Identifiers: Orphanet 140162, MedGen C0027672, MeSH D009386, MONDO:0015356.

Submission:

Ambry Genetics
Classification: Uncertain significance for Hereditary cancer-predisposing syndrome. Last evaluated: 2026-03-12. Review status: criteria provided, single submitter. Criteria: Ambry Variant Classification Scheme 2023. Collection method: clinical testing. Allele origin: germline.
Comment: The p.E1104A variant (also known as c.3311A>C), located in coding exon 19 of the BRIP1 gene, results from an A to C substitution at nucleotide position 3311. The glutamic acid at codon 1104 is replaced by alanine, an amino acid with dissimilar properties. This amino acid position is conserved. In addition, this alteration is predicted to be tolerated by in silico analysis. Based on the available evidence, the clinical significance of this variant remains unclear.

NM_032043.3(BRIP1):c.3311A>C (p.Glu1104Ala)

Gene: BRIP1 (BRCA1 interacting DNA helicase 1; minus strand). Cytogenetic location: 17q23.2.
Variant type: single nucleotide variant.
Coding change: c.3311A>C on transcript NM_032043.3 (MANE Select); coding-DNA position 3311, A replaced by C.
Protein change: p.Glu1104Ala; replaces glutamic acid 1104 with alanine.
Molecular consequence: missense variant.
Genome position (GRCh38, 1-based): chr17:61,683,735, T>G on the plus strand (A>C on the coding strand, the complement: BRIP1 is on the minus strand). VCF-style: chr17-61683735-T-G. GRCh37 (hg19) VCF-style: chr17-59761096-T-G.
Other names: short protein forms E1104A.
Identifiers: ClinVar variation 4826455 (VCV004826455.1).